The following is an entry in ClinVar:

ClinVar aggregate classification (germline): Uncertain significance. Review status: criteria provided, multiple submitters, no conflicts (2 of 4 stars). 2 submissions from 2 submitters: Uncertain significance (2). Last evaluated 2023-02-03.

Conditions:
RYR1-related disorder. Also called: RYR1-related disorders; RYR1-related condition. Identifiers: MedGen CN239331.

Allele frequency attached by ClinVar (database versions not stated): ExAC 0.00001; gnomAD exomes 0.00001.
gnomAD v4.1: 10 of 1,613,322 alleles (0.00062%); highest among the groups gnomAD compares: Non-Finnish European, 0.00076%; no homozygotes.

Submissions (2):

Labcorp Genetics (formerly Invitae), Labcorp
Classification: Uncertain significance for RYR1-related disorder. Last evaluated: 2023-02-03. Review status: criteria provided, single submitter. Criteria: Invitae Variant Classification Sherloc (09022015). Collection method: clinical testing. Allele origin: germline.
Comment: In summary, the available evidence is currently insufficient to determine the role of this variant in disease. Therefore, it has been classified as a Variant of Uncertain Significance. Algorithms developed to predict the effect of missense changes on protein structure and function are either unavailable or do not agree on the potential impact of this missense change (SIFT: "Deleterious"; PolyPhen-2: "Probably Damaging"; Align-GVGD: "Class C0"). This variant has not been reported in the literature in individuals affected with RYR1-related conditions. This variant is not present in population databases (gnomAD no frequency). This sequence change replaces isoleucine, which is neutral and non-polar, with phenylalanine, which is neutral and non-polar, at codon 643 of the RYR1 protein (p.Ile643Phe).

Blueprint Genetics
Classification: Uncertain significance. Last evaluated: 2022-12-09. Review status: criteria provided, single submitter. Criteria: ACMG Guidelines, 2015. Collection method: clinical testing. Allele origin: germline.

NM_000540.3(RYR1):c.1927A>T (p.Ile643Phe)

Gene: RYR1 (ryanodine receptor 1; plus strand). Cytogenetic location: 19q13.2.
Variant type: single nucleotide variant.
Coding change: c.1927A>T on transcript NM_000540.3 (MANE Select); coding-DNA position 1927, A replaced by T.
Protein change: p.Ile643Phe; replaces isoleucine 643 with phenylalanine.
Molecular consequence: missense variant.
Genome position (GRCh38, 1-based): chr19:38,458,052, A>T. VCF-style: chr19-38458052-A-T. GRCh37 (hg19) VCF-style: chr19-38948692-A-T.
Other names: c.1927A>T, p.Ile643Phe (NM_001042723.2); short protein forms I643F.
Identifiers: ClinVar variation 2886284 (VCV002886284.3), dbSNP rs767392306, ClinGen allele CA062680.